The following is an entry in ClinVar:

NM_170699.3(GPBAR1):c.393C>G (p.Thr131=)

Gene: GPBAR1 (G protein-coupled bile acid receptor 1; plus strand). Cytogenetic location: 2q35.
Variant type: single nucleotide variant.
Coding change: c.393C>G on transcript NM_170699.3 (MANE Select); coding-DNA position 393, C replaced by G.
Protein change: p.Thr131=; no amino-acid change (threonine 131 retained).
Molecular consequence: synonymous variant.
Genome position (GRCh38, 1-based): chr2:218,263,117, C>G. VCF-style: chr2-218263117-C-G. GRCh37 (hg19) VCF-style: chr2-219127840-C-G.
Other names: c.393C>G, p.Thr131= (NM_001077191.2, NM_001077194.2, NM_001321950.2).
Identifiers: ClinVar variation 3061651 (VCV003061651.2), dbSNP rs1039057957, ClinGen allele CA431407492.

ClinVar aggregate classification (germline): Likely benign (0 of 4 stars; one submission).

Conditions:
GPBAR1-related disorder. Also called: GPBAR1-related condition.

Allele frequency attached by ClinVar (database versions not stated): TOPMed below 0.00001; gnomAD 0.00001.

Submission:

PreventionGenetics, part of Exact Sciences
Classification: Likely benign for GPBAR1-related condition. Last evaluated: 2023-03-14. Review status: no assertion criteria provided. Collection method: clinical testing. Allele origin: germline.
Comment: This variant is classified as likely benign based on ACMG/AMP sequence variant interpretation guidelines (Richards et al. 2015 PMID: 25741868, with internal and published modifications).